The following is an entry in ClinVar:

NM_001077653.2(TBX20):c.70A>T (p.Met24Leu)

Gene: TBX20 (T-box transcription factor 20; minus strand). Cytogenetic location: 7p14.2.
Variant type: single nucleotide variant.
Coding change: c.70A>T on transcript NM_001077653.2 (MANE Select); coding-DNA position 70, A replaced by T.
Protein change: p.Met24Leu; replaces methionine 24 with leucine.
Molecular consequence: missense variant.
Genome position (GRCh38, 1-based): chr7:35,253,551, T>A on the plus strand (A>T on the coding strand, the complement: TBX20 is on the minus strand). VCF-style: chr7-35253551-T-A. GRCh37 (hg19) VCF-style: chr7-35293162-T-A.
Other names: c.70A>T, p.Met24Leu (NM_001166220.1); short protein forms M24L.
Identifiers: ClinVar variation 4772233 (VCV004772233.1).

ClinVar aggregate classification (germline): Uncertain significance (1 of 4 stars; one submission).

Submission:

Labcorp Genetics (formerly Invitae), Labcorp
Classification: Uncertain significance. Last evaluated: 2025-08-03. Review status: criteria provided, single submitter. Criteria: Invitae Variant Classification Sherloc (09022015). Collection method: clinical testing. Allele origin: germline.
Comment: This sequence change replaces methionine, which is neutral and non-polar, with leucine, which is neutral and non-polar, at codon 24 of the TBX20 protein (p.Met24Leu). This variant is not present in population databases (gnomAD no frequency). This missense change has been observed in individual(s) with TBX20-related conditions (PMID: 35352813). An algorithm developed to predict the effect of missense changes on protein structure and function (PolyPhen-2) suggests that this variant is likely to be tolerated. In summary, the available evidence is currently insufficient to determine the role of this variant in disease. Therefore, it has been classified as a Variant of Uncertain Significance.

Literature cited by the submitters: PubMed 35352813.